The following is an entry in ClinVar:

NM_003919.3(SGCE):c.1065-3T>C

Genes: CASD1 (CAS1 domain sialic acid O acetyltransferase 1; plus strand), SGCE (sarcoglycan epsilon; minus strand). Cytogenetic location: 7q21.3.
Variant type: single nucleotide variant.
Coding change: c.1065-3T>C on transcript NM_003919.3 (MANE Select); 3 bases into the intron before coding-DNA position 1065, T replaced by C.
Molecular consequence: intron variant.
Genome position (GRCh38, 1-based): chr7:94,598,966, A>G on the plus strand (T>C on the coding strand, the complement: SGCE is on the minus strand). VCF-style: chr7-94598966-A-G. GRCh37 (hg19) VCF-style: chr7-94228278-A-G.
Other names: c.915-3T>C (NM_001362809.2); c.942-3T>C (NM_001301139.2); c.1038-3T>C (NM_001346717.2, NM_001099400.2); c.1065-3T>C (NM_001099401.2); c.1146-3T>C (NM_001346715.2); c.1173-3T>C (NM_001346713.2); c.951-3T>C (NM_001362807.2); c.765-3T>C (NM_001362808.2); and 2 more.
Identifiers: ClinVar variation 464151 (VCV000464151.11), dbSNP rs965437968, ClinGen allele CA162920641.
Genomic context (GRCh38, chr7:94,598,966, plus strand): 5'-CATGTCTCGAAGCTCCTTGGTAGATTTCTGAATAGCACTGTGATGGACCAGTTGGATGCT[A>G]GGTCAAAAAGAAATAAAACAACATATATTTAAAATCATATATTAGCCTGATGGGTCATCA-3'

ClinVar aggregate classification (germline): Uncertain significance. Review status: criteria provided, multiple submitters, no conflicts (2 of 4 stars). 2 submissions from 2 submitters: Uncertain significance (2). Last evaluated 2025-02-17.

Conditions:
Myoclonic dystonia 11 (DYT11). Also called: DYT-SGCE; Myoclonic dystonia; Dystonia 11; Dystonia, alcohol responsive; Hereditary essential myoclonus; SGCE Myoclonus-Dystonia. Identifiers: Orphanet 36899, MedGen C1834570, MONDO:0008044, OMIM 159900.

Allele frequency attached by ClinVar (database versions not stated): gnomAD exomes below 0.00001 and 0.00001; gnomAD 0.00001; TOPMed 0.00002.
gnomAD v4.1: 9 of 1,611,316 alleles (0.00056%); highest among the groups gnomAD compares: East Asian, 0.013%; no homozygotes.

Submissions (2):

Labcorp Genetics (formerly Invitae), Labcorp
Classification: Uncertain significance for Myoclonic dystonia 11. Last evaluated: 2025-02-17. Review status: criteria provided, single submitter. Criteria: Invitae Variant Classification Sherloc (09022015). Collection method: clinical testing. Allele origin: germline.
Comment: This sequence change falls in intron 8 of the SGCE gene. It does not directly change the encoded amino acid sequence of the SGCE protein. It affects a nucleotide within the consensus splice site. This variant is present in population databases (no rsID available, gnomAD 0.02%). This variant has not been reported in the literature in individuals affected with SGCE-related conditions. ClinVar contains an entry for this variant (Variation ID: 464151). Variants that disrupt the consensus splice site are a relatively common cause of aberrant splicing (PMID: 17576681, 9536098). Algorithms developed to predict the effect of sequence changes on RNA splicing suggest that this variant is not likely to affect RNA splicing. In summary, the available evidence is currently insufficient to determine the role of this variant in disease. Therefore, it has been classified as a Variant of Uncertain Significance.

Revvity Omics, Revvity
Classification: Uncertain significance for Myoclonic dystonia 11. Last evaluated: 2021-11-18. Review status: criteria provided, single submitter. Criteria: ACMG Guidelines, 2015. Collection method: clinical testing. Allele origin: germline.

Literature cited by the submitters: PubMed 17576681 (cited by Labcorp Genetics (formerly Invitae), Labcorp); PubMed 9536098 (cited by Labcorp Genetics (formerly Invitae), Labcorp).